The following is an entry in ClinVar:

ClinVar aggregate classification (germline): Benign. Review status: criteria provided, multiple submitters, no conflicts (2 of 4 stars). 10 submissions from 10 submitters: Benign (7). 3 of the submissions do not count toward it. Last evaluated 2026-02-04.

Conditions:
Dilated cardiomyopathy 1JJ (CMD1JJ). Identifiers: Orphanet 154, MedGen C3808935, MONDO:0014095, OMIM 615235.

Allele frequency attached by ClinVar (database versions not stated): TOPMed 0.67795; 1000 Genomes Project 0.75839; 1000 Genomes Project 30x 0.75890; gnomAD exomes 0.61843 and 0.66482; ESP Exome Variant Server 0.64878; gnomAD 0.66129 and 0.66618; ExAC 0.66492.
gnomAD v4.1: 1,007,193 of 1,613,178 alleles (62%); highest among the groups gnomAD compares: East Asian, 84%; 318,947 homozygotes.

Submissions (10):

Labcorp Genetics (formerly Invitae), Labcorp
Classification: Benign for Dilated cardiomyopathy 1JJ. Last evaluated: 2026-02-04. Review status: criteria provided, single submitter. Criteria: Invitae Variant Classification Sherloc (09022015). Collection method: clinical testing. Allele origin: germline.

Women's Health and Genetics/Laboratory Corporation of America, LabCorp
Classification: Benign. Last evaluated: 2023-04-04. Review status: criteria provided, single submitter. Criteria: LabCorp Variant Classification Summary - May 2015. Collection method: clinical testing. Allele origin: germline.

Genome-Nilou Lab
Classification: Benign for Dilated cardiomyopathy 1JJ. Last evaluated: 2021-08-19. Review status: criteria provided, single submitter. Criteria: ACMG Guidelines, 2015. Collection method: clinical testing. Allele origin: germline. Affected: no.

GeneDx
Classification: Benign. Last evaluated: 2013-11-22. Review status: criteria provided, single submitter. Criteria: GeneDx Variant Classification (06012015). Collection method: clinical testing. Allele origin: germline. Affected: yes.
Comment: This variant is considered likely benign or benign based on one or more of the following criteria: it is a conservative change, it occurs at a poorly conserved position in the protein, it is predicted to be benign by multiple in silico algorithms, and/or has population frequency not consistent with disease.

Biesecker Lab/Clinical Genomics Section, National Institutes of Health
Classification: Benign. Last evaluated: 2013-06-24. Review status: criteria provided, single submitter. Criteria: Ng et al. (Circ Cardiovasc Genet. 2013). Collection method: research. Allele origin: unknown. Observed: 756 variant alleles. Study: ClinSeq.
Comment: The study set was not selected for affection status in relation to any cancer. Pathogenicity categories were based on literature curation. See Pubmed ID:23861362 for details.

Medical sequencing

Laboratory for Molecular Medicine, Mass General Brigham Personalized Medicine
Classification: Benign. Last evaluated: 2011-09-16. Review status: criteria provided, single submitter. Criteria: LMM Criteria. Collection method: clinical testing. Allele origin: germline. Observed: 1,483 variant alleles.

PreventionGenetics, part of Exact Sciences
Classification: Benign. Review status: criteria provided, single submitter. Criteria: ACMG Guidelines, 2015. Collection method: clinical testing. Allele origin: germline.

Clinical Genetics DNA and cytogenetics Diagnostics Lab, Erasmus MC, Erasmus Medical Center
Classification: Benign. Review status: no assertion criteria provided. Collection method: clinical testing. Allele origin: germline. Affected: yes. Study: VKGL Data-share Consensus. Not counted in ClinVar's aggregate classification.

Clinical Genetics, Academic Medical Center
Classification: Benign. Review status: no assertion criteria provided. Collection method: clinical testing. Allele origin: germline. Affected: yes. Study: VKGL Data-share Consensus. Not counted in ClinVar's aggregate classification.

Diagnostic Laboratory, Department of Genetics, University Medical Center Groningen
Classification: Benign for Dilated cardiomyopathy 1JJ. Review status: no assertion criteria provided. Collection method: clinical testing. Allele origin: germline. Affected: yes. Study: VKGL Data-share Consensus. Not counted in ClinVar's aggregate classification.

NM_001105206.3(LAMA4):c.1492T>C (p.Tyr498His)

Gene: LAMA4 (laminin subunit alpha 4; minus strand). Cytogenetic location: 6q21.
Variant type: single nucleotide variant.
Coding change: c.1492T>C on transcript NM_001105206.3 (MANE Select); coding-DNA position 1492, T replaced by C.
Protein change: p.Tyr498His; replaces tyrosine 498 with histidine.
Molecular consequence: missense variant.
Genome position (GRCh38, 1-based): chr6:112,172,670, A>G on the plus strand (T>C on the coding strand, the complement: LAMA4 is on the minus strand). VCF-style: chr6-112172670-A-G. GRCh37 (hg19) VCF-style: chr6-112493872-A-G.
Other names: p.Y491H:TAT>CAT; c.1471T>C, p.Tyr491His (NM_001105207.3, NM_002290.5); short protein forms Y491H, Y498H.
Identifiers: ClinVar variation 44348 (VCV000044348.19), dbSNP rs1050348, ClinGen allele CA282360.
Genomic context (GRCh38, chr6:112,172,670, plus strand): 5'-CCTCATGGTCCCGCTGCCTGGCTGCTGTGGCCCTGTTCATGTCTTCGGCATCCCTGACAT[A>G]GTTAAGGGCCTGGTCAAGTGCTTCCTGGAGATCTGACAACTTAGCATTGTAGTCATCCAG-3'
Protein context (NP_001098676.2, residues 488-508): LQEALDQALN[Tyr498His]VRDAEDMNRA